The following is an entry in ClinVar:

NM_006268.5(DPF2):c.763G>C (p.Glu255Gln)

Gene: DPF2 (double PHD fingers 2; plus strand). Cytogenetic location: 11q13.1.
Variant type: single nucleotide variant.
Coding change: c.763G>C on transcript NM_006268.5 (MANE Select); coding-DNA position 763, G replaced by C.
Protein change: p.Glu255Gln; replaces glutamic acid 255 with glutamine.
Molecular consequence: missense variant.
Genome position (GRCh38, 1-based): chr11:65,345,791, G>C. VCF-style: chr11-65345791-G-C. GRCh37 (hg19) VCF-style: chr11-65113262-G-C.
Other names: c.805G>C, p.Glu269Gln (NM_001330308.2); short protein forms E255Q, E269Q.
Identifiers: ClinVar variation 3360247 (VCV003360247.1).

ClinVar aggregate classification (germline): Uncertain significance (1 of 4 stars; one submission).

Submission:

GeneDx
Classification: Uncertain significance. Last evaluated: 2023-06-21. Review status: criteria provided, single submitter. Criteria: GeneDx Variant Classification Process June 2021. Collection method: clinical testing. Allele origin: germline. Affected: yes.
Comment: Not observed at significant frequency in large population cohorts (gnomAD); In silico analysis supports that this missense variant does not alter protein structure/function; In silico analysis is inconclusive as to whether the variant alters gene splicing. In the absence of RNA/functional studies, the actual effect of this sequence change is unknown.; Has not been previously published as pathogenic or benign to our knowledge